The following is an entry in ClinVar:

ClinVar aggregate classification (germline): Uncertain significance (1 of 4 stars; one submission).

Conditions:
Mucopolysaccharidosis, MPS-IV-A (MPS4A). Also called: Mucopolysaccharidosis type IV A; Mucopolysaccharidosis Type IVA; Morquio syndrome A, mild; MORQUIO SYNDROME A; MPS IVA; mucopolysaccharidosis type 4A. Identifiers: Orphanet 309297, Orphanet 582, MedGen C0086651, MONDO:0009659, OMIM 253000.

Submission:

Laboratory of Diagnosis and Therapy of Lysosomal Disorders, University of Padova
Classification: Uncertain significance for Mucopolysaccharidosis, MPS-IV-A. Last evaluated: 2021-02-01. Review status: criteria provided, single submitter. Criteria: ACMG Guidelines, 2015. Collection method: curation. Allele origin: germline. Affected: yes.
Comment: Absent from gnomAD v2.1.1 (PM2_moderate); multiple lines of computational evidence support a deleterious effect on the gene (PP3_supporting)

Literature cited by the submitters: PubMed 9298823; PubMed 34387910.

NM_000512.5(GALNS):c.1032C>G (p.Asp344Glu)

Gene: GALNS (galactosamine (N-acetyl)-6-sulfatase; minus strand). Cytogenetic location: 16q24.3.
Variant type: single nucleotide variant.
Coding change: c.1032C>G on transcript NM_000512.5 (MANE Select); coding-DNA position 1032, C replaced by G.
Protein change: p.Asp344Glu; replaces aspartic acid 344 with glutamic acid.
Molecular consequence: missense variant.
Genome position (GRCh38, 1-based): chr16:88,826,809, G>C on the plus strand (C>G on the coding strand, the complement: GALNS is on the minus strand). VCF-style: chr16-88826809-G-C. GRCh37 (hg19) VCF-style: chr16-88893217-G-C.
Other names: c.477C>G, p.Asp159Glu (NM_001323543.2); c.1050C>G, p.Asp350Glu (NM_001323544.2); short protein forms D159E, D344E, D350E.
Identifiers: ClinVar variation 1048439 (VCV001048439.3), dbSNP rs1407467035, ClinGen allele CA397098577.